The following is an entry in ClinVar:

ClinVar aggregate classification (germline): Conflicting classifications of pathogenicity. Review status: criteria provided, conflicting classifications (1 of 4 stars). 8 submissions from 8 submitters: Uncertain significance (7); Likely benign (1). Last evaluated 2026-05-18.

Conditions:
ZNF469-related disorder. Also called: ZNF469-related condition.
Cardiovascular phenotype. Identifiers: MedGen CN230736.

Allele frequency attached by ClinVar (database versions not stated): TOPMed 0.00014; gnomAD exomes 0.00018 and 0.00023; 1000 Genomes Project 0.00020; ExAC 0.00021; ESP Exome Variant Server 0.00022; 1000 Genomes Project 30x 0.00031; gnomAD 0.00012 and 0.00013.
gnomAD v4.1: 331 of 1,550,392 alleles (0.021%); highest among the groups gnomAD compares: Admixed American, 0.031%; no homozygotes.

Submissions (8):

PreventionGenetics, part of Exact Sciences
Classification: Uncertain significance for ZNF469-related condition. Last evaluated: 2026-05-18. Review status: criteria provided, single submitter. Criteria: ACMG Guidelines, 2015. Collection method: clinical testing. Allele origin: germline.
Comment: The ZNF469 c.5182G>A variant is predicted to result in the amino acid substitution p.Ala1728Thr. To our knowledge, this variant has not been reported in the literature. This variant is reported in 0.031% of alleles in individuals of Latino descent in gnomAD. At this time, the clinical significance of this variant is uncertain due to the absence of conclusive functional and genetic evidence.

Women's Health and Genetics/Laboratory Corporation of America, LabCorp
Classification: Uncertain significance. Last evaluated: 2025-10-15. Review status: criteria provided, single submitter. Criteria: LabCorp Variant Classification Summary - May 2015. Collection method: clinical testing. Allele origin: germline.
Comment: Variant summary: ZNF469 c.5266G>A (p.Ala1756Thr) results in a non-conservative amino acid change in the encoded protein sequence. Algorithms developed to predict the effect of missense changes on protein structure and function are either unavailable or do not agree on the potential impact of this missense change. The variant allele was found at a frequency of 0.00018 in 152610 control chromosomes. This frequency is not significantly higher than estimated for disease-causing variants in ZNF469, allowing no conclusion about variant significance. To our knowledge, no occurrence of c.5266G>A in individuals affected with ZNF469-related conditions and no experimental evidence demonstrating its impact on protein function have been reported. ClinVar contains an entry for this variant (Variation ID: 437384). Based on the evidence outlined above, the variant was classified as uncertain significance.

Labcorp Genetics (formerly Invitae), Labcorp
Classification: Uncertain significance. Last evaluated: 2022-10-25. Review status: criteria provided, single submitter. Criteria: Invitae Variant Classification Sherloc (09022015). Collection method: clinical testing. Allele origin: germline.
Comment: This sequence change replaces alanine, which is neutral and non-polar, with threonine, which is neutral and polar, at codon 1728 of the ZNF469 protein (p.Ala1728Thr). This variant is present in population databases (rs371328036, gnomAD 0.03%). This variant has not been reported in the literature in individuals affected with ZNF469-related conditions. ClinVar contains an entry for this variant (Variation ID: 437384). Algorithms developed to predict the effect of missense changes on protein structure and function output the following: SIFT: "Tolerated"; PolyPhen-2: "Benign"; Align-GVGD: "Class C0". The threonine amino acid residue is found in multiple mammalian species, which suggests that this missense change does not adversely affect protein function. In summary, the available evidence is currently insufficient to determine the role of this variant in disease. Therefore, it has been classified as a Variant of Uncertain Significance.

GeneDx
Classification: Uncertain significance. Last evaluated: 2022-09-01. Review status: criteria provided, single submitter. Criteria: GeneDx Variant Classification Process June 2021. Collection method: clinical testing. Allele origin: germline. Affected: yes.
Comment: Has not been previously published as pathogenic or benign to our knowledge; In silico analysis supports that this missense variant does not alter protein structure/function; This variant is associated with the following publications: (PMID: 26582918)

CeGaT Center for Human Genetics Tuebingen
Classification: Uncertain significance. Last evaluated: 2020-10-01. Review status: criteria provided, single submitter. Criteria: CeGaT Center For Human Genetics Tuebingen Variant Classification Criteria Version 2. Collection method: clinical testing. Allele origin: germline. Affected: yes. Observed: 1 variant allele.

Ambry Genetics
Classification: Likely benign for Cardiovascular phenotype. Last evaluated: 2019-11-25. Review status: criteria provided, single submitter. Criteria: Ambry Variant Classification Scheme 2023. Collection method: clinical testing. Allele origin: germline.

Genetic Services Laboratory, University of Chicago
Classification: Uncertain significance. Last evaluated: 2016-07-05. Review status: criteria provided, single submitter. Criteria: ACMG Guidelines, 2015. Collection method: clinical testing. Allele origin: germline. Affected: no.

Breakthrough Genomics
Classification: Uncertain significance. Review status: criteria provided, single submitter. Criteria: ACMG Guidelines, 2015. Collection method: not provided. Allele origin: germline. Inheritance: Autosomal recessive inheritance. Affected: yes.

NM_001367624.2(ZNF469):c.5266G>A (p.Ala1756Thr)

Gene: ZNF469 (zinc finger protein 469; plus strand). Cytogenetic location: 16q24.2.
Variant type: single nucleotide variant.
Coding change: c.5266G>A on transcript NM_001367624.2 (MANE Select); coding-DNA position 5266, G replaced by A.
Protein change: p.Ala1756Thr; replaces alanine 1756 with threonine.
Molecular consequence: missense variant.
Genome position (GRCh38, 1-based): chr16:88,432,736, G>A. VCF-style: chr16-88432736-G-A. GRCh37 (hg19) VCF-style: chr16-88499144-G-A.
Other names: NM_001127464.1:c.5182G>A; NM_001127464.2:c.5182G>A; short protein forms A1756T.
Identifiers: ClinVar variation 437384 (VCV000437384.54), dbSNP rs371328036, ClinGen allele CA8225059.